The following is an entry in ClinVar:

NM_003331.5(TYK2):c.1087G>A (p.Gly363Ser)

Gene: TYK2 (tyrosine kinase 2; minus strand). Cytogenetic location: 19p13.2.
Variant type: single nucleotide variant.
Coding change: c.1087G>A on transcript NM_003331.5 (MANE Select); coding-DNA position 1087, G replaced by A.
Protein change: p.Gly363Ser; replaces glycine 363 with serine.
Molecular consequence: missense variant.
Genome position (GRCh38, 1-based): chr19:10,364,973, C>T on the plus strand (G>A on the coding strand, the complement: TYK2 is on the minus strand). VCF-style: chr19-10364973-C-T. GRCh37 (hg19) VCF-style: chr19-10475649-C-T.
Other names: p.G363S:GGC>AGC; c.1087G>A (LRG_121t1); short protein forms G363S.
Identifiers: ClinVar variation 137864 (VCV000137864.20), dbSNP rs2304255, ClinGen allele CA291547.

ClinVar aggregate classification (germline): Benign/Likely benign. Review status: criteria provided, multiple submitters, no conflicts (2 of 4 stars). 8 submissions from 8 submitters: Benign (7); Likely benign (1). Last evaluated 2026-02-04.

Conditions:
Immunodeficiency 35 (IMD35). Also called: TYK2 DEFICIENCY; Susceptibility to infection due to TYK2 deficiency; HIES WITH ATYPICAL MYCOBACTERIOSIS, AUTOSOMAL RECESSIVE; HYPER-IgE SYNDROME WITH ATYPICAL MYCOBACTERIOSIS, AUTOSOMAL RECESSIVE. Identifiers: Orphanet 331226, MedGen C1969086, MONDO:0012682, OMIM 611521.

Allele frequency attached by ClinVar (database versions not stated): 1000 Genomes Project 30x 0.04310; 1000 Genomes Project 0.04373; TOPMed 0.05161; gnomAD 0.05403 and 0.05491; ESP Exome Variant Server 0.05774; gnomAD exomes 0.06223 and 0.07203; ExAC 0.06402.

Submissions (8):

Labcorp Genetics (formerly Invitae), Labcorp
Classification: Benign for Immunodeficiency 35. Last evaluated: 2026-02-04. Review status: criteria provided, single submitter. Criteria: Invitae Variant Classification Sherloc (09022015). Collection method: clinical testing. Allele origin: germline.

Blueprint Genetics
Classification: Likely benign. Last evaluated: 2024-11-28. Review status: criteria provided, single submitter. Criteria: ACMG Guidelines, 2015. Collection method: clinical testing. Allele origin: germline.

Mayo Clinic Laboratories, Mayo Clinic
Classification: Benign. Last evaluated: 2023-05-04. Review status: criteria provided, single submitter. Criteria: ACMG Guidelines, 2015. Collection method: clinical testing. Allele origin: germline. Observed: 11 variant alleles.
Comment: BA1, BP4

Genome-Nilou Lab
Classification: Benign for Immunodeficiency 35. Last evaluated: 2021-05-18. Review status: criteria provided, single submitter. Criteria: ACMG Guidelines, 2015. Collection method: clinical testing. Allele origin: germline. Affected: no.

Illumina Laboratory Services, Illumina
Classification: Benign for Immunodeficiency 35. Last evaluated: 2018-03-06. Review status: criteria provided, single submitter. Criteria: ICSL Variant Classification Criteria 13 December 2019. Collection method: clinical testing. Allele origin: germline.
Comment: This variant was observed in the ICSL laboratory as part of a predisposition screen in an ostensibly healthy population. It had not been previously curated by ICSL or reported in the Human Gene Mutation Database (HGMD: prior to June 1st, 2018), and was therefore a candidate for classification through an automated scoring system. Utilizing variant allele frequency, disease prevalence and penetrance estimates, and inheritance mode, an automated score was calculated to assess if this variant is too frequent to cause the disease. Based on the score and internal cut-off values, a variant classified as benign is not then subjected to further curation. The score for this variant resulted in a classification of benign for this disease.

GeneDx
Classification: Benign. Last evaluated: 2014-03-06. Review status: criteria provided, single submitter. Criteria: GeneDx Variant Classification (06012015). Collection method: clinical testing. Allele origin: germline. Affected: yes.
Comment: This variant is considered likely benign or benign based on one or more of the following criteria: it is a conservative change, it occurs at a poorly conserved position in the protein, it is predicted to be benign by multiple in silico algorithms, and/or has population frequency not consistent with disease.

Breakthrough Genomics
Classification: Benign. Review status: criteria provided, single submitter. Criteria: ACMG Guidelines, 2015. Collection method: not provided. Allele origin: germline. Inheritance: Autosomal recessive inheritance. Affected: yes.

PreventionGenetics, part of Exact Sciences
Classification: Benign. Review status: criteria provided, single submitter. Criteria: ACMG Guidelines, 2015. Collection method: clinical testing. Allele origin: germline.

Literature cited by the submitters: PubMed 18270328 (cited by Mayo Clinic Laboratories, Mayo Clinic); PubMed 36959416 (cited by Mayo Clinic Laboratories, Mayo Clinic).